The following is an entry in ClinVar:

ClinVar aggregate classification (germline): Uncertain significance. Review status: criteria provided, multiple submitters, no conflicts (2 of 4 stars). 3 submissions from 3 submitters: Uncertain significance (2). 1 of the submissions does not count toward it. Last evaluated 2025-04-26.

Conditions:
Inborn genetic diseases. Identifiers: MedGen C0950123, MeSH D030342.
TCF3-related disorder. Also called: TCF3-related condition.

Allele frequency attached by ClinVar (database versions not stated): ExAC 0.00005; gnomAD 0.00022; 1000 Genomes Project 0.00020; gnomAD exomes 0.00003; 1000 Genomes Project 30x 0.00016; TOPMed 0.00021.
gnomAD v4.1: 78 of 1,541,424 alleles (0.0051%); highest among the groups gnomAD compares: African/African-American, 0.084%; no homozygotes.

Submissions (3):

Labcorp Genetics (formerly Invitae), Labcorp
Classification: Uncertain significance. Last evaluated: 2025-04-26. Review status: criteria provided, single submitter. Criteria: Invitae Variant Classification Sherloc (09022015). Collection method: clinical testing. Allele origin: germline.
Comment: This sequence change replaces serine, which is neutral and polar, with leucine, which is neutral and non-polar, at codon 141 of the TCF3 protein (p.Ser141Leu). The frequency data for this variant in the population databases is considered unreliable, as metrics indicate poor data quality at this position in the gnomAD database. This variant has not been reported in the literature in individuals affected with TCF3-related conditions. ClinVar contains an entry for this variant (Variation ID: 2328477). Invitae Evidence Modeling of protein sequence and biophysical properties (such as structural, functional, and spatial information, amino acid conservation, physicochemical variation, residue mobility, and thermodynamic stability) has been performed for this missense variant. However, the output from this modeling did not meet the statistical confidence thresholds required to predict the impact of this variant on TCF3 protein function. In summary, the available evidence is currently insufficient to determine the role of this variant in disease. Therefore, it has been classified as a Variant of Uncertain Significance.

Ambry Genetics
Classification: Uncertain significance for Inborn genetic diseases. Last evaluated: 2025-02-05. Review status: criteria provided, single submitter. Criteria: Ambry Variant Classification Scheme 2023. Collection method: clinical testing. Allele origin: germline.

PreventionGenetics, part of Exact Sciences
Classification: Uncertain significance for TCF3-related condition. Last evaluated: 2024-08-14. Review status: no assertion criteria provided. Collection method: clinical testing. Allele origin: germline. Not counted in ClinVar's aggregate classification.
Comment: The TCF3 c.422C>T variant is predicted to result in the amino acid substitution p.Ser141Leu. To our knowledge, this variant has not been reported in the literature. This variant is reported in 0.068% of alleles in individuals of African descent in gnomAD. At this time, the clinical significance of this variant is uncertain due to the absence of conclusive functional and genetic evidence.

NM_003200.5(TCF3):c.422C>T (p.Ser141Leu)

Gene: TCF3 (transcription factor 3; minus strand). Cytogenetic location: 19p13.3.
Variant type: single nucleotide variant.
Coding change: c.422C>T on transcript NM_003200.5 (MANE Select); coding-DNA position 422, C replaced by T.
Protein change: p.Ser141Leu; replaces serine 141 with leucine.
Molecular consequence: missense variant.
Genome position (GRCh38, 1-based): chr19:1,625,653, G>A on the plus strand (C>T on the coding strand, the complement: TCF3 is on the minus strand). VCF-style: chr19-1625653-G-A. GRCh37 (hg19) VCF-style: chr19-1625652-G-A.
Other names: c.422C>T, p.Ser141Leu (NM_001136139.4, NM_001351778.2, NM_001351779.2); short protein forms S141L.
Identifiers: ClinVar variation 2328477 (VCV002328477.7), dbSNP rs533848977, ClinGen allele CA9050404.
Genomic context (GRCh38, chr19:1,625,653, plus strand): 5'-GCTCTCCGCCGGGAGCTGCCGGAGTAGGAGGGGTAGTACTGGGAGGTCCCCTTCATGCCC[G>A]AAGGGGACAGGGGCCCGGGGCTGTTGAGGGCCAGCTCGCCTGACAGGAAGCCAGCCTGGT-3'
Protein context (NP_003191.1, residues 131-151): ALNSPGPLSP[Ser141Leu]GMKGTSQYYP